The following is an entry in ClinVar:

NM_022437.3(ABCG8):c.1021A>C (p.Lys341Gln)

Gene: ABCG8 (ATP binding cassette subfamily G member 8; plus strand). Cytogenetic location: 2p21.
Variant type: single nucleotide variant.
Coding change: c.1021A>C on transcript NM_022437.3 (MANE Select); coding-DNA position 1021, A replaced by C.
Protein change: p.Lys341Gln; replaces lysine 341 with glutamine.
Molecular consequence: missense variant.
Genome position (GRCh38, 1-based): chr2:43,872,032, A>C. VCF-style: chr2-43872032-A-C. GRCh37 (hg19) VCF-style: chr2-44099171-A-C.
Other names: c.1021A>C, p.Lys341Gln (NM_001357321.2); short protein forms K341Q.
Identifiers: ClinVar variation 4744076 (VCV004744076.1).

ClinVar aggregate classification (germline): Uncertain significance (1 of 4 stars; one submission).

Submission:

Labcorp Genetics (formerly Invitae), Labcorp
Classification: Uncertain significance. Last evaluated: 2025-02-22. Review status: criteria provided, single submitter. Criteria: Invitae Variant Classification Sherloc (09022015). Collection method: clinical testing. Allele origin: germline.
Comment: This sequence change replaces lysine, which is basic and polar, with glutamine, which is neutral and polar, at codon 341 of the ABCG8 protein (p.Lys341Gln). This variant is not present in population databases (gnomAD no frequency). This variant has not been reported in the literature in individuals affected with ABCG8-related conditions. Invitae Evidence Modeling of protein sequence and biophysical properties (such as structural, functional, and spatial information, amino acid conservation, physicochemical variation, residue mobility, and thermodynamic stability) indicates that this missense variant is not expected to disrupt ABCG8 protein function with a negative predictive value of 80%. In summary, the available evidence is currently insufficient to determine the role of this variant in disease. Therefore, it has been classified as a Variant of Uncertain Significance.